The following is an entry in ClinVar:

ClinVar aggregate classification (germline): Uncertain significance (1 of 4 stars; one submission).

Conditions:
Hypertrophic cardiomyopathy 14. Identifiers: MedGen C2750467, MONDO:0013197, OMIM 613251.

Allele frequency attached by ClinVar (database versions not stated): gnomAD exomes below 0.00001.
gnomAD v4.1: 1 of 1,614,092 alleles (0.000062%); highest among the groups gnomAD compares: Non-Finnish European, 0.000085%; no homozygotes.

Submission:

Labcorp Genetics (formerly Invitae), Labcorp
Classification: Uncertain significance for Hypertrophic cardiomyopathy 14. Last evaluated: 2023-03-26. Review status: criteria provided, single submitter. Criteria: Invitae Variant Classification Sherloc (09022015). Collection method: clinical testing. Allele origin: germline.
Comment: In summary, the available evidence is currently insufficient to determine the role of this variant in disease. Therefore, it has been classified as a Variant of Uncertain Significance. Advanced modeling of protein sequence and biophysical properties (such as structural, functional, and spatial information, amino acid conservation, physicochemical variation, residue mobility, and thermodynamic stability) performed at Invitae indicates that this missense variant is not expected to disrupt MYH6 protein function. This variant has not been reported in the literature in individuals affected with MYH6-related conditions. This variant is not present in population databases (gnomAD no frequency). This sequence change replaces aspartic acid, which is acidic and polar, with glutamic acid, which is acidic and polar, at codon 74 of the MYH6 protein (p.Asp74Glu).

NM_002471.4(MYH6):c.222C>G (p.Asp74Glu)

Genes: MYH6 (myosin heavy chain 6; minus strand), LOC114827851 (VISTA enhancer hs2155; plus strand). Cytogenetic location: 14q11.2.
Variant type: single nucleotide variant.
Coding change: c.222C>G on transcript NM_002471.4 (MANE Select); coding-DNA position 222, C replaced by G.
Protein change: p.Asp74Glu; replaces aspartic acid 74 with glutamic acid.
Molecular consequence: missense variant.
Genome position (GRCh38, 1-based): chr14:23,405,750, G>C on the plus strand (C>G on the coding strand, the complement: MYH6 is on the minus strand). VCF-style: chr14-23405750-G-C. GRCh37 (hg19) VCF-style: chr14-23874959-G-C.
Other names: short protein forms D74E.
Identifiers: ClinVar variation 2849575 (VCV002849575.3), dbSNP rs2502209330, ClinGen allele CA389031794.